The following is an entry in ClinVar:

NM_004260.4(RECQL4):c.3394C>T (p.Leu1132Phe)

Gene: RECQL4 (RecQ like helicase 4; minus strand). Cytogenetic location: 8q24.3.
Variant type: single nucleotide variant.
Coding change: c.3394C>T on transcript NM_004260.4 (MANE Select); coding-DNA position 3394, C replaced by T.
Protein change: p.Leu1132Phe; replaces leucine 1132 with phenylalanine.
Molecular consequence: missense variant.
Genome position (GRCh38, 1-based): chr8:144,511,789, G>A on the plus strand (C>T on the coding strand, the complement: RECQL4 is on the minus strand). VCF-style: chr8-144511789-G-A. GRCh37 (hg19) VCF-style: chr8-145737172-G-A.
Other names: short protein forms L1132F.
Identifiers: ClinVar variation 528974 (VCV000528974.4), dbSNP rs1554895894, ClinGen allele CA372667673.

ClinVar aggregate classification (germline): Uncertain significance (1 of 4 stars; one submission).

Conditions:
Baller-Gerold syndrome (BGS). Also called: CRANIOSYNOSTOSIS WITH RADIAL DEFECTS. Identifiers: Orphanet 1225, MedGen C0265308, MONDO:0009039, OMIM 218600.

Submission:

Labcorp Genetics (formerly Invitae), Labcorp
Classification: Uncertain significance for Baller-Gerold syndrome. Last evaluated: 2017-08-16. Review status: criteria provided, single submitter. Criteria: Invitae Variant Classification Sherloc (09022015). Collection method: clinical testing. Allele origin: germline.
Comment: In summary, the available evidence is currently insufficient to determine the role of this variant in disease. Therefore, it has been classified as a Variant of Uncertain Significance. Algorithms developed to predict the effect of sequence changes on RNA splicing suggest that this variant is not likely to affect RNA splicing, but this prediction has not been confirmed by published transcriptional studies. Algorithms developed to predict the effect of missense changes on protein structure and function (SIFT, PolyPhen-2, Align-GVGD) all suggest that this variant is likely to be tolerated, but these predictions have not been confirmed by published functional studies and their clinical significance is uncertain. This variant has not been reported in the literature in individuals with RECQL4-related disease. This variant is not present in population databases (ExAC no frequency). This sequence change replaces leucine with phenylalanine at codon 1132 of the RECQL4 protein (p.Leu1132Phe). The leucine residue is highly conserved and there is a small physicochemical difference between leucine and phenylalanine.